The following is an entry in ClinVar:

NM_003239.5(TGFB3):c.797G>T (p.Arg266Leu)

Gene: TGFB3 (transforming growth factor beta 3; minus strand). Cytogenetic location: 14q24.3.
Variant type: single nucleotide variant.
Coding change: c.797G>T on transcript NM_003239.5 (MANE Select); coding-DNA position 797, G replaced by T.
Protein change: p.Arg266Leu; replaces arginine 266 with leucine.
Molecular consequence: missense variant.
Genome position (GRCh38, 1-based): chr14:75,963,445, C>A on the plus strand (G>T on the coding strand, the complement: TGFB3 is on the minus strand). VCF-style: chr14-75963445-C-A. GRCh37 (hg19) VCF-style: chr14-76429788-C-A.
Other names: c.797G>T, p.Arg266Leu (NM_001329938.2, NM_001329939.2); short protein forms R266L.
Identifiers: ClinVar variation 477643 (VCV000477643.13), dbSNP rs142069844, ClinGen allele CA390468595.

ClinVar aggregate classification (germline): Uncertain significance. Review status: criteria provided, multiple submitters, no conflicts (2 of 4 stars). 3 submissions from 3 submitters: Uncertain significance (3). Last evaluated 2025-03-16.

Conditions:
Familial thoracic aortic aneurysm and aortic dissection (TAAD). Also called: Thoracic aortic aneurysms and dissections. Identifiers: Orphanet 91387, MedGen C4707243, MONDO:0019625.
Rienhoff syndrome. Also called: LOEYS-DIETZ SYNDROME 5. Identifiers: MedGen C3810012, MONDO:0014262, OMIM 615582.

Allele frequency attached by ClinVar (database versions not stated): TOPMed 0.00001.
gnomAD v4.1: 2 of 1,614,022 alleles (0.00012%); highest among the groups gnomAD compares: African/African-American, 0.0027%; no homozygotes.

Submissions (3):

Labcorp Genetics (formerly Invitae), Labcorp
Classification: Uncertain significance for Rienhoff syndrome. Last evaluated: 2025-03-16. Review status: criteria provided, single submitter. Criteria: Invitae Variant Classification Sherloc (09022015). Collection method: clinical testing. Allele origin: germline.
Comment: This sequence change replaces arginine, which is basic and polar, with leucine, which is neutral and non-polar, at codon 266 of the TGFB3 protein (p.Arg266Leu). This variant is present in population databases (no rsID available, gnomAD 0.007%). This missense change has been observed in individual(s) with clinical features of TGFB3-related conditions (internal data). ClinVar contains an entry for this variant (Variation ID: 477643). Invitae Evidence Modeling of protein sequence and biophysical properties (such as structural, functional, and spatial information, amino acid conservation, physicochemical variation, residue mobility, and thermodynamic stability) indicates that this missense variant is not expected to disrupt TGFB3 protein function with a negative predictive value of 80%. In summary, the available evidence is currently insufficient to determine the role of this variant in disease. Therefore, it has been classified as a Variant of Uncertain Significance.

GeneDx
Classification: Uncertain significance. Last evaluated: 2021-10-15. Review status: criteria provided, single submitter. Criteria: GeneDx Variant Classification Process June 2021. Collection method: clinical testing. Allele origin: germline. Affected: yes.
Comment: Has not been previously published as pathogenic or benign to our knowledge; Not observed at a significant frequency in large population cohorts (Lek et al., 2016); In silico analysis supports that this missense variant does not alter protein structure/function; Reported in ClinVar as a variant of uncertain significance (ClinVar Variant ID# 477643; Landrum et al., 2016)

Ambry Genetics
Classification: Uncertain significance for Familial thoracic aortic aneurysm and aortic dissection. Last evaluated: 2021-10-13. Review status: criteria provided, single submitter. Criteria: Ambry Variant Classification Scheme 2023. Collection method: clinical testing. Allele origin: germline.
Comment: The p.R266L variant (also known as c.797G>T), located in coding exon 5 of the TGFB3 gene, results from a G to T substitution at nucleotide position 797. The arginine at codon 266 is replaced by leucine, an amino acid with dissimilar properties. This amino acid position is conserved. In addition, this alteration is predicted to be tolerated by in silico analysis. Since supporting evidence is limited at this time, the clinical significance of this alteration remains unclear.